The following is an entry in ClinVar:

ClinVar aggregate classification (germline): Likely benign. Review status: criteria provided, single submitter (1 of 4 stars). 3 submissions from 3 submitters: Likely benign (1). 2 of the submissions do not count toward it. Last evaluated 2025-12-29.

Allele frequency attached by ClinVar (database versions not stated): gnomAD exomes 0.00003 and 0.00020; TOPMed 0.00008; ExAC 0.00016; gnomAD 0.00015 and 0.00011; 1000 Genomes Project 0.00040; 1000 Genomes Project 30x 0.00031.
gnomAD v4.1: 79 of 1,605,368 alleles (0.0049%); highest among the groups gnomAD compares: East Asian, 0.15%; no homozygotes.

Submissions (3):

Center for Genomic Medicine, Rigshospitalet, Copenhagen University Hospital
Classification: Likely benign. Last evaluated: 2025-12-29. Review status: criteria provided, single submitter. Criteria: ACMG Guidelines, 2015. Collection method: clinical testing. Allele origin: germline.
Comment: Classification criteria: BS1, BP4, BP7

Clinical Genetics Laboratory, Department of Pathology, Netherlands Cancer Institute
Classification: Likely benign. Review status: no assertion criteria provided. Collection method: clinical testing. Allele origin: germline. Affected: yes. Study: VKGL Data-share Consensus. Not counted in ClinVar's aggregate classification.

Joint Genome Diagnostic Labs from Nijmegen and Maastricht, Radboudumc and MUMC+
Classification: Likely benign. Review status: no assertion criteria provided. Collection method: clinical testing. Allele origin: germline. Affected: yes. Study: VKGL Data-share Consensus. Not counted in ClinVar's aggregate classification.

NM_000051.4(ATM):c.7516-32T>G

Genes: ATM (ATM serine/threonine kinase; plus strand), C11orf65 (chromosome 11 open reading frame 65; minus strand). Cytogenetic location: 11q22.3.
Variant type: single nucleotide variant.
Coding change: c.7516-32T>G on transcript NM_000051.4 (MANE Select); 32 bases into the intron before coding-DNA position 7516, T replaced by G.
Molecular consequence: intron variant. On other transcripts: non-coding transcript variant (1).
Genome position (GRCh38, 1-based): chr11:108,331,412, T>G. VCF-style: chr11-108331412-T-G. GRCh37 (hg19) VCF-style: chr11-108202139-T-G.
Other names: c.7516-32T>G (NM_001351834.2); c.641-22341A>C (NM_001330368.2); c.*38+3808A>C (NM_001351110.2).
Identifiers: ClinVar variation 1275846 (VCV001275846.5), dbSNP rs372671281, ClinGen allele CA6266131.